The following is an entry in ClinVar:

NM_001376.5(DYNC1H1):c.13771C>T (p.Arg4591Cys)

Gene: DYNC1H1 (dynein cytoplasmic 1 heavy chain 1; plus strand). Cytogenetic location: 14q32.31.
Variant type: single nucleotide variant.
Coding change: c.13771C>T on transcript NM_001376.5 (MANE Select); coding-DNA position 13771, C replaced by T.
Protein change: p.Arg4591Cys; replaces arginine 4591 with cysteine.
Molecular consequence: missense variant.
Genome position (GRCh38, 1-based): chr14:102,050,157, C>T. VCF-style: chr14-102050157-C-T. GRCh37 (hg19) VCF-style: chr14-102516494-C-T.
Other names: short protein forms R4591C.
Identifiers: ClinVar variation 580983 (VCV000580983.12), dbSNP rs765362140, ClinGen allele CA7354353.

ClinVar aggregate classification (germline): Conflicting classifications of pathogenicity. Review status: criteria provided, conflicting classifications (1 of 4 stars). 4 submissions from 4 submitters: Uncertain significance (3); Likely benign (1). Last evaluated 2025-07-07.

Conditions:
Charcot-Marie-Tooth disease axonal type 2O. Also called: CHARCOT-MARIE-TOOTH NEUROPATHY, AXONAL, TYPE 2O; CHARCOT-MARIE-TOOTH DISEASE, AXONAL, AUTOSOMAL DOMINANT, TYPE 2O; Charcot-Marie-Tooth disease, axonal, type 20; Charcot-Marie-Tooth Neuropathy Type 2O. Identifiers: Orphanet 284232, MedGen C3280220, MONDO:0013644, OMIM 614228.
Inborn genetic diseases. Identifiers: MedGen C0950123, MeSH D030342.

Allele frequency attached by ClinVar (database versions not stated): gnomAD 0.00001; gnomAD exomes 0.00001; TOPMed 0.00001; ExAC 0.00002.
gnomAD v4.1: 18 of 1,614,064 alleles (0.0011%); highest among the groups gnomAD compares: East Asian, 0.0045%; no homozygotes.

Submissions (4):

Labcorp Genetics (formerly Invitae), Labcorp
Classification: Likely benign for Charcot-Marie-Tooth disease axonal type 2O. Last evaluated: 2025-07-07. Review status: criteria provided, single submitter. Criteria: Invitae Variant Classification Sherloc (09022015). Collection method: clinical testing. Allele origin: germline.

GeneDx
Classification: Uncertain significance. Last evaluated: 2023-07-12. Review status: criteria provided, single submitter. Criteria: GeneDx Variant Classification Process June 2021. Collection method: clinical testing. Allele origin: germline. Affected: yes.
Comment: In silico analysis supports that this missense variant has a deleterious effect on protein structure/function; Has not been previously published as pathogenic or benign to our knowledge; This variant is associated with the following publications: (PMID: 25512093, 25609763, 26100331)

Ambry Genetics
Classification: Uncertain significance for Inborn genetic diseases. Last evaluated: 2022-02-28. Review status: criteria provided, single submitter. Criteria: Ambry Variant Classification Scheme 2023. Collection method: clinical testing. Allele origin: germline.
Comment: The p.R4591C variant (also known as c.13771C>T), located in coding exon 77 of the DYNC1H1 gene, results from a C to T substitution at nucleotide position 13771. The arginine at codon 4591 is replaced by cysteine, an amino acid with highly dissimilar properties. This amino acid position is highly conserved in available vertebrate species. In addition, the in silico prediction for this alteration is inconclusive. Since supporting evidence is limited at this time, the clinical significance of this alteration remains unclear.

Blueprint Genetics
Classification: Uncertain significance. Last evaluated: 2019-03-19. Review status: criteria provided, single submitter. Criteria: ACMG Guidelines, 2015. Collection method: clinical testing. Allele origin: germline.